The following is an entry in ClinVar:

NM_001042492.3(NF1):c.6841G>T (p.Gly2281Ter)

Gene: NF1 (neurofibromin 1; plus strand). Cytogenetic location: 17q11.2.
Variant type: single nucleotide variant.
Coding change: c.6841G>T on transcript NM_001042492.3 (MANE Select); coding-DNA position 6841, G replaced by T.
Protein change: p.Gly2281Ter; replaces glycine 2281 with a stop codon.
Molecular consequence: nonsense.
Genome position (GRCh38, 1-based): chr17:31,338,725, G>T. VCF-style: chr17-31338725-G-T. GRCh37 (hg19) VCF-style: chr17-29665743-G-T.
Other names: c.6778G>T, p.Gly2260Ter (NM_000267.4); short protein forms G2260*, G2281*.
Identifiers: ClinVar variation 856272 (VCV000856272.8), dbSNP rs2069743252, ClinGen allele CA399014288.

ClinVar aggregate classification (germline): Pathogenic (1 of 4 stars; one submission).

Conditions:
Neurofibromatosis, type 1 (NF1). Also called: Neurofibromatosis, type I; VON RECKLINGHAUSEN DISEASE; Peripheral type neurofibromatosis; NEUROFIBROMATOSIS, TYPE I, SOMATIC. Identifiers: Orphanet 636, MedGen C0027831, MONDO:0018975, OMIM 162200. Disease mechanism: loss of function.

Submission:

Labcorp Genetics (formerly Invitae), Labcorp
Classification: Pathogenic for Neurofibromatosis, type 1. Last evaluated: 2024-08-18. Review status: criteria provided, single submitter. Criteria: Invitae Variant Classification Sherloc (09022015). Collection method: clinical testing. Allele origin: germline.
Comment: This sequence change creates a premature translational stop signal (p.Gly2260*) in the NF1 gene. It is expected to result in an absent or disrupted protein product. Loss-of-function variants in NF1 are known to be pathogenic (PMID: 10712197, 23913538). This variant is not present in population databases (gnomAD no frequency). This premature translational stop signal has been observed in individual(s) with clinical features of NF1-related conditions (PMID: 21520333). ClinVar contains an entry for this variant (Variation ID: 856272). Algorithms developed to predict the effect of sequence changes on RNA splicing suggest that this variant may disrupt the consensus splice site. For these reasons, this variant has been classified as Pathogenic.

Literature cited by the submitters: PubMed 10712197; PubMed 23913538; PubMed 21520333.